The following is an entry in ClinVar:

ClinVar aggregate classification (germline): Pathogenic (1 of 4 stars; one submission).

Conditions:
Melnick-Fraser syndrome (BOR). Also called: Branchio-oto-renal syndrome; Branchiootorenal syndrome; Branchiootorenal Syndrome (BORS). Identifiers: Orphanet 107, MedGen C0265234, MONDO:0007029.

Submission:

Labcorp Genetics (formerly Invitae), Labcorp
Classification: Pathogenic for Melnick-Fraser syndrome. Last evaluated: 2023-08-10. Review status: criteria provided, single submitter. Criteria: Invitae Variant Classification Sherloc (09022015). Collection method: clinical testing. Allele origin: germline.
Comment: For these reasons, this variant has been classified as Pathogenic. ClinVar contains an entry for this variant (Variation ID: 1433497). This variant has not been reported in the literature in individuals affected with EYA1-related conditions. This variant is not present in population databases (gnomAD no frequency). This sequence change creates a premature translational stop signal (p.Gln119*) in the EYA1 gene. It is expected to result in an absent or disrupted protein product. Loss-of-function variants in EYA1 are known to be pathogenic (PMID: 10464653, 18220287).

Literature cited by the submitters: PubMed 10464653; PubMed 18220287.

NM_000503.6(EYA1):c.355C>T (p.Gln119Ter)

Gene: EYA1 (EYA transcriptional coactivator and phosphatase 1; minus strand). Cytogenetic location: 8q13.3.
Variant type: single nucleotide variant.
Coding change: c.355C>T on transcript NM_000503.6 (MANE Select); coding-DNA position 355, C replaced by T.
Protein change: p.Gln119Ter; replaces glutamine 119 with a stop codon.
Molecular consequence: nonsense.
Genome position (GRCh38, 1-based): chr8:71,321,797, G>A on the plus strand (C>T on the coding strand, the complement: EYA1 is on the minus strand). VCF-style: chr8-71321797-G-A. GRCh37 (hg19) VCF-style: chr8-72234032-G-A.
Other names: c.352C>T, p.Gln118Ter (NM_001288574.2); c.4C>T, p.Gln2Ter (NM_001288575.2); c.442C>T, p.Gln148Ter (NM_001370333.1, NM_172059.5); c.355C>T, p.Gln119Ter (NM_001370334.1, NM_001370335.1, NM_172058.4); c.439C>T, p.Gln147Ter (NM_001370336.1); short protein forms Q118*, Q147*, Q148*, Q119*, Q2*.
Identifiers: ClinVar variation 1433497 (VCV001433497.6), dbSNP rs2129031508, ClinGen allele CA371468533.
Genomic context (GRCh38, chr8:71,321,797, plus strand): 5'-ATGAGGAAATGCCGTACGGCTGTCCTGGCTGTGGGTACGTGGCATAGGCTGTAGCTTGTT[G>A]CATTCCTGTGGTAAACTGTGTTTGCCCATATGCAGCCATAGTTTGTGAGGAAGGGGTAGG-3'